The following is an entry in ClinVar:

NM_015087.5(SPART):c.1733+2dup

Gene: SPART (spartin; minus strand). Cytogenetic location: 13q13.3.
Variant type: Duplication.
Coding change: c.1733+2dup on transcript NM_015087.5 (MANE Select); the canonical splice donor site of the intron after coding-DNA position 1733, one base duplicated (T; older notation c.1733+2dupT).
Molecular consequence: splice donor variant.
Genome position (GRCh38, 1-based): chr13:36,312,143, A duplicated on the plus strand (T on the coding strand, the reverse complement: SPART is on the minus strand). VCF-style (leftmost placement, unchanged base first): chr13-36312142-T-TA. GRCh37 (hg19) VCF-style: chr13-36886279-T-TA.
Other names: c.1733+2dup (NM_001142294.2, NM_001142295.2, NM_001142296.2).
Identifiers: ClinVar variation 1488747 (VCV001488747.6), dbSNP rs2137313183, ClinGen allele CA2573149532.

ClinVar aggregate classification (germline): Uncertain significance (1 of 4 stars; one submission).

Allele frequency attached by ClinVar (database versions not stated): gnomAD exomes below 0.00001.

Submission:

Labcorp Genetics (formerly Invitae), Labcorp
Classification: Uncertain significance. Last evaluated: 2021-12-03. Review status: criteria provided, single submitter. Criteria: Invitae Variant Classification Sherloc (09022015). Collection method: clinical testing. Allele origin: germline.
Comment: In summary, the available evidence is currently insufficient to determine the role of this variant in disease. Therefore, it has been classified as a Variant of Uncertain Significance. Variants that disrupt the consensus splice site are a relatively common cause of aberrant splicing (PMID: 17576681, 9536098). Algorithms developed to predict the effect of sequence changes on RNA splicing suggest that this variant may disrupt the consensus splice site. This variant has not been reported in the literature in individuals affected with SPART-related conditions. This variant is not present in population databases (gnomAD no frequency). This sequence change falls in intron 8 of the SPART gene. It does not directly change the encoded amino acid sequence of the SPART protein. It affects a nucleotide within the consensus splice site.

Literature cited by the submitters: PubMed 17576681; PubMed 9536098.